The following is an entry in ClinVar:

NM_173630.4(RTTN):c.6134G>A (p.Cys2045Tyr)

Gene: RTTN (rotatin; minus strand). Cytogenetic location: 18q22.2.
Variant type: single nucleotide variant.
Coding change: c.6134G>A on transcript NM_173630.4 (MANE Select); coding-DNA position 6134, G replaced by A.
Protein change: p.Cys2045Tyr; replaces cysteine 2045 with tyrosine.
Molecular consequence: missense variant.
Genome position (GRCh38, 1-based): chr18:70,020,634, C>T on the plus strand (G>A on the coding strand, the complement: RTTN is on the minus strand). VCF-style: chr18-70020634-C-T. GRCh37 (hg19) VCF-style: chr18-67687870-C-T.
Other names: c.3398G>A, p.Cys1133Tyr (NM_001318520.2); short protein forms C1133Y, C2045Y.
Identifiers: ClinVar variation 1878705 (VCV001878705.1), dbSNP rs2511834815, ClinGen allele CA402684226.

ClinVar aggregate classification (germline): Uncertain significance (1 of 4 stars; one submission).

Allele frequency attached by ClinVar (database versions not stated): gnomAD exomes below 0.00001.
gnomAD v4.1: 1 of 1,613,842 alleles (0.000062%); highest among the groups gnomAD compares: African/African-American, 0.0013%; no homozygotes.

Submission:

GeneDx
Classification: Uncertain significance. Last evaluated: 2022-07-11. Review status: criteria provided, single submitter. Criteria: GeneDx Variant Classification Process June 2021. Collection method: clinical testing. Allele origin: germline. Affected: yes.
Comment: Not observed at significant frequency in large population cohorts (gnomAD); In silico analysis supports that this missense variant has a deleterious effect on protein structure/function; This variant is associated with the following publications: (PMID: 30525197)